The following is an entry in ClinVar:

NM_001145358.2(SIN3A):c.2564A>G (p.Asn855Ser)

Gene: SIN3A (SIN3 transcription regulator family member A; minus strand). Cytogenetic location: 15q24.2.
Variant type: single nucleotide variant.
Coding change: c.2564A>G on transcript NM_001145358.2 (MANE Select); coding-DNA position 2564, A replaced by G.
Protein change: p.Asn855Ser; replaces asparagine 855 with serine.
Molecular consequence: missense variant.
Genome position (GRCh38, 1-based): chr15:75,392,529, T>C on the plus strand (A>G on the coding strand, the complement: SIN3A is on the minus strand). VCF-style: chr15-75392529-T-C. GRCh37 (hg19) VCF-style: chr15-75684870-T-C.
Other names: c.2564A>G, p.Asn855Ser (NM_001145357.2, NM_015477.3); short protein forms N855S.
Identifiers: ClinVar variation 2084386 (VCV002084386.8), dbSNP rs201113909, ClinGen allele CA7667440.

ClinVar aggregate classification (germline): Conflicting classifications of pathogenicity. Review status: criteria provided, conflicting classifications (1 of 4 stars). 4 submissions from 4 submitters: Uncertain significance (1); Likely benign (2). 1 of the submissions does not count toward it. Last evaluated 2025-12-10.

Conditions:
SIN3A-related disorder. Also called: SIN3A-related condition.
Inborn genetic diseases. Identifiers: MedGen C0950123, MeSH D030342.

Allele frequency attached by ClinVar (database versions not stated): gnomAD exomes 0.00016; gnomAD 0.00019; ExAC 0.00027; 1000 Genomes Project 30x 0.00031; TOPMed 0.00034; ESP Exome Variant Server 0.00039; 1000 Genomes Project 0.00040.
gnomAD v4.1: 256 of 1,614,166 alleles (0.016%); highest among the groups gnomAD compares: Admixed American, 0.065%; no homozygotes.

Submissions (4):

Labcorp Genetics (formerly Invitae), Labcorp
Classification: Uncertain significance. Last evaluated: 2025-12-10. Review status: criteria provided, single submitter. Criteria: Invitae Variant Classification Sherloc (09022015). Collection method: clinical testing. Allele origin: germline.
Comment: This sequence change replaces asparagine, which is neutral and polar, with serine, which is neutral and polar, at codon 855 of the SIN3A protein (p.Asn855Ser). This variant is present in population databases (rs201113909, gnomAD 0.05%), and has an allele count higher than expected for a pathogenic variant. This variant has not been reported in the literature in individuals affected with SIN3A-related conditions. ClinVar contains an entry for this variant (Variation ID: 2084386). Invitae Evidence Modeling of protein sequence and biophysical properties (such as structural, functional, and spatial information, amino acid conservation, physicochemical variation, residue mobility, and thermodynamic stability) indicates that this missense variant is not expected to disrupt SIN3A protein function with a negative predictive value of 80%. In summary, the available evidence is currently insufficient to determine the role of this variant in disease. Therefore, it has been classified as a Variant of Uncertain Significance.

Laboratory of Genetics, Children's Clinical University Hospital Latvia
Classification: Likely benign. Last evaluated: 2025-02-16. Review status: criteria provided, single submitter. Criteria: ACMG Guidelines, 2015. Collection method: clinical testing. Allele origin: germline. Affected: yes.

Ambry Genetics
Classification: Likely benign for Inborn genetic diseases. Last evaluated: 2022-03-16. Review status: criteria provided, single submitter. Criteria: Ambry Variant Classification Scheme 2023. Collection method: clinical testing. Allele origin: germline.

PreventionGenetics, part of Exact Sciences
Classification: Likely benign for SIN3A-related condition. Last evaluated: 2020-10-27. Review status: no assertion criteria provided. Collection method: clinical testing. Allele origin: germline. Not counted in ClinVar's aggregate classification.
Comment: This variant is classified as likely benign based on ACMG/AMP sequence variant interpretation guidelines (Richards et al. 2015 PMID: 25741868, with internal and published modifications).